The following is an entry in ClinVar:

ClinVar aggregate classification (germline): Conflicting classifications of pathogenicity. Review status: criteria provided, conflicting classifications (1 of 4 stars). 4 submissions from 3 submitters: Uncertain significance (1); Benign (1); Likely benign (2). Last evaluated 2025-12-01.

Conditions:
Emery-Dreifuss muscular dystrophy 4, autosomal dominant (EDMD4). Also called: EMERY-DREIFUSS MUSCULAR DYSTROPHY 4 WITH VARIABLE FEATURES. Identifiers: Orphanet 261, MedGen C2751807, MONDO:0013071, OMIM 612998.
Autosomal recessive ataxia, Beauce type. Also called: ATAXIA, RECESSIVE, OF BEAUCE; Spinocerebellar ataxia, autosomal recessive 8; SYNE1 Deficiency; SYNE1-Related Autosomal Recessive Cerebellar Ataxia. Identifiers: Orphanet 88644, MedGen C1853116, MONDO:0012549, OMIM 610743.

Allele frequency attached by ClinVar (database versions not stated): ExAC 0.00005; gnomAD exomes 0.00006; ESP Exome Variant Server 0.00008; TOPMed 0.00008.
gnomAD v4.1: 103 of 1,613,804 alleles (0.0064%); highest among the groups gnomAD compares: Middle Eastern, 0.016%; 1 homozygote.

Submissions (4):

CeGaT Center for Human Genetics Tuebingen
Classification: Likely benign. Last evaluated: 2025-12-01. Review status: criteria provided, single submitter. Criteria: CeGaT Center For Human Genetics Tuebingen Variant Classification Criteria Version 2. Collection method: clinical testing. Allele origin: germline. Affected: yes. Observed: 1 variant allele.
Comment: SYNE1: BP4

Labcorp Genetics (formerly Invitae), Labcorp
Classification: Likely benign for Emery-Dreifuss muscular dystrophy 4, autosomal dominant; Autosomal recessive ataxia, Beauce type. Last evaluated: 2024-02-05. Review status: criteria provided, single submitter. Criteria: Invitae Variant Classification Sherloc (09022015). Collection method: clinical testing. Allele origin: germline.

Illumina Laboratory Services, Illumina
Classification: Uncertain significance for Autosomal recessive ataxia, Beauce type. Last evaluated: 2018-01-12. Review status: criteria provided, single submitter. Criteria: ICSL Variant Classification Criteria 13 December 2019. Collection method: clinical testing. Allele origin: germline.

Illumina Laboratory Services, Illumina
Classification: Benign for Emery-Dreifuss muscular dystrophy 4, autosomal dominant. Last evaluated: 2018-01-12. Review status: criteria provided, single submitter. Criteria: ICSL Variant Classification Criteria 13 December 2019. Collection method: clinical testing. Allele origin: germline.
Comment: This variant was observed in the ICSL laboratory as part of a predisposition screen in an ostensibly healthy population. It had not been previously curated by ICSL or reported in the Human Gene Mutation Database (HGMD: prior to June 1st, 2018), and was therefore a candidate for classification through an automated scoring system. Utilizing variant allele frequency, disease prevalence and penetrance estimates, and inheritance mode, an automated score was calculated to assess if this variant is too frequent to cause the disease. Based on the score and internal cut-off values, a variant classified as benign is not then subjected to further curation. The score for this variant resulted in a classification of benign for this disease.

NM_182961.4(SYNE1):c.581+7A>G

Gene: SYNE1 (spectrin repeat containing nuclear envelope protein 1; minus strand). Cytogenetic location: 6q25.2.
Variant type: single nucleotide variant.
Coding change: c.581+7A>G on transcript NM_182961.4 (MANE Select); 7 bases into the intron after coding-DNA position 581, A replaced by G.
Molecular consequence: intron variant.
Genome position (GRCh38, 1-based): chr6:152,510,186, T>C on the plus strand (A>G on the coding strand, the complement: SYNE1 is on the minus strand). VCF-style: chr6-152510186-T-C. GRCh37 (hg19) VCF-style: chr6-152831321-T-C.
Other names: c.602+7A>G (NM_033071.5).
Identifiers: ClinVar variation 904725 (VCV000904725.19), dbSNP rs367617527, ClinGen allele CA4059693.